The following is an entry in ClinVar:

ClinVar aggregate classification (germline): Uncertain significance (1 of 4 stars; one submission).

Conditions:
Primary ciliary dyskinesia. Also called: Ciliary dyskinesia. Identifiers: Orphanet 244, MedGen C0008780, MONDO:0016575, HP:0012265.

Allele frequency attached by ClinVar (database versions not stated): gnomAD exomes below 0.00001 and 0.00001; gnomAD 0.00001; TOPMed 0.00002.
gnomAD v4.1: 20 of 1,613,348 alleles (0.0012%); highest among the groups gnomAD compares: East Asian, 0.0022%; no homozygotes.

Submission:

Labcorp Genetics (formerly Invitae), Labcorp
Classification: Uncertain significance for Primary ciliary dyskinesia. Last evaluated: 2021-01-04. Review status: criteria provided, single submitter. Criteria: Invitae Variant Classification Sherloc (09022015). Collection method: clinical testing. Allele origin: germline.
Comment: This sequence change replaces arginine with cysteine at codon 1082 of the CCDC40 protein (p.Arg1082Cys). The arginine residue is moderately conserved and there is a large physicochemical difference between arginine and cysteine. This variant is not present in population databases (ExAC no frequency). This variant has not been reported in the literature in individuals with CCDC40-related conditions. Algorithms developed to predict the effect of missense changes on protein structure and function are either unavailable or do not agree on the potential impact of this missense change (SIFT: "Deleterious"; PolyPhen-2: "Probably Damaging"; Align-GVGD: "Class C0"). In summary, the available evidence is currently insufficient to determine the role of this variant in disease. Therefore, it has been classified as a Variant of Uncertain Significance.

NM_017950.4(CCDC40):c.3244C>T (p.Arg1082Cys)

Gene: CCDC40 (coiled-coil domain 40 molecular ruler complex subunit; plus strand). Cytogenetic location: 17q25.3.
Variant type: single nucleotide variant.
Coding change: c.3244C>T on transcript NM_017950.4 (MANE Select); coding-DNA position 3244, C replaced by T.
Protein change: p.Arg1082Cys; replaces arginine 1082 with cysteine.
Molecular consequence: missense variant.
Genome position (GRCh38, 1-based): chr17:80,099,590, C>T. VCF-style: chr17-80099590-C-T. GRCh37 (hg19) VCF-style: chr17-78073389-C-T.
Other names: short protein forms R1082C.
Identifiers: ClinVar variation 851707 (VCV000851707.9), dbSNP rs1055443134, ClinGen allele CA294880893.